The following is an entry in ClinVar:

ClinVar aggregate classification (germline): Uncertain significance (1 of 4 stars; one submission).

gnomAD v4.1: 1 of 1,441,834 alleles (0.000069%); highest among the groups gnomAD compares: South Asian, 0.0014%; no homozygotes.

Submission:

GeneDx
Classification: Uncertain significance. Last evaluated: 2026-02-24. Review status: criteria provided, single submitter. Criteria: GeneDx Variant Classification Process June 2021. Collection method: clinical testing. Allele origin: germline.
Comment: Not observed at significant frequency in large population cohorts (gnomAD); In silico analysis suggests that this missense variant does not alter protein structure/function; Has not been previously published as pathogenic or benign to our knowledge

NM_001042681.2(RERE):c.3128G>A (p.Gly1043Asp)

Gene: RERE (arginine-glutamic acid dipeptide repeats; minus strand). Cytogenetic location: 1p36.23.
Variant type: single nucleotide variant.
Coding change: c.3128G>A on transcript NM_001042681.2 (MANE Select); coding-DNA position 3128, G replaced by A.
Protein change: p.Gly1043Asp; replaces glycine 1043 with aspartic acid.
Molecular consequence: missense variant.
Genome position (GRCh38, 1-based): chr1:8,360,379, C>T on the plus strand (G>A on the coding strand, the complement: RERE is on the minus strand). VCF-style: chr1-8360379-C-T. GRCh37 (hg19) VCF-style: chr1-8420439-C-T.
Other names: c.1466G>A, p.Gly489Asp (NM_001042682.2); c.3128G>A, p.Gly1043Asp (NM_012102.4); short protein forms G489D, G1043D.
Identifiers: ClinVar variation 5007980 (VCV005007980.1).